The following is an entry in ClinVar:

ClinVar aggregate classification (germline): Uncertain significance (1 of 4 stars; one submission).

Submission:

Labcorp Genetics (formerly Invitae), Labcorp
Classification: Uncertain significance. Last evaluated: 2021-09-01. Review status: criteria provided, single submitter. Criteria: Invitae Variant Classification Sherloc (09022015). Collection method: clinical testing. Allele origin: germline.
Comment: This sequence change replaces proline with alanine at codon 749 of the PTPN23 protein (p.Pro749Ala). The proline residue is weakly conserved and there is a small physicochemical difference between proline and alanine. This variant is not present in population databases (ExAC no frequency). This variant has not been reported in the literature in individuals affected with PTPN23-related conditions. Algorithms developed to predict the effect of missense changes on protein structure and function are either unavailable or do not agree on the potential impact of this missense change (SIFT: "Tolerated"; PolyPhen-2: "Not Available"; Align-GVGD: "Class C0"). In summary, the available evidence is currently insufficient to determine the role of this variant in disease. Therefore, it has been classified as a Variant of Uncertain Significance.

NM_015466.4(PTPN23):c.2245C>G (p.Pro749Ala)

Gene: PTPN23 (protein tyrosine phosphatase non-receptor type 23; plus strand). Cytogenetic location: 3p21.31.
Variant type: single nucleotide variant.
Coding change: c.2245C>G on transcript NM_015466.4 (MANE Select); coding-DNA position 2245, C replaced by G.
Protein change: p.Pro749Ala; replaces proline 749 with alanine.
Molecular consequence: missense variant.
Genome position (GRCh38, 1-based): chr3:47,410,043, C>G. VCF-style: chr3-47410043-C-G. GRCh37 (hg19) VCF-style: chr3-47451533-C-G.
Other names: c.1867C>G, p.Pro623Ala (NM_001304482.2); short protein forms P623A, P749A.
Identifiers: ClinVar variation 1369263 (VCV001369263.5), dbSNP rs776135224, ClinGen allele CA352557829.